The following is an entry in ClinVar:

NM_000179.3(MSH6):c.3650G>A (p.Arg1217Lys)

Gene: MSH6 (mutS homolog 6; plus strand). Cytogenetic location: 2p16.3.
Variant type: single nucleotide variant.
Coding change: c.3650G>A on transcript NM_000179.3 (MANE Select); coding-DNA position 3650, G replaced by A.
Protein change: p.Arg1217Lys; replaces arginine 1217 with lysine.
Molecular consequence: missense variant.
Genome position (GRCh38, 1-based): chr2:47,806,207, G>A. VCF-style: chr2-47806207-G-A. GRCh37 (hg19) VCF-style: chr2-48033346-G-A.
Other names: c.3260G>A, p.Arg1087Lys (NM_001281492.2); c.2744G>A, p.Arg915Lys (NM_001281493.2, NM_001281494.2); short protein forms R1217K, R1087K, R915K.
Identifiers: ClinVar variation 1385358 (VCV001385358.9), dbSNP rs63749898, ClinGen allele CA013741.
Genomic context (GRCh38, chr2:47,806,207, plus strand): 5'-TCCTTTTTTGTTTTAATTCCTTTGAGTTACTTCCTTATGCATATTTTACTTTAACAGGAA[G>A]AGGTACTGCAACATTTGATGGGACGGCAATAGCAAATGCAGTTGTTAAAGAACTTGCTGA-3'
Protein context (NP_000170.1, residues 1207-1227): HSLVLVDELG[Arg1217Lys]GTATFDGTAI

ClinVar aggregate classification (germline): Uncertain significance. Review status: criteria provided, multiple submitters, no conflicts (2 of 4 stars). 2 submissions from 2 submitters: Uncertain significance (2). Last evaluated 2026-02-09.

Conditions:
Hereditary nonpolyposis colorectal neoplasms. Identifiers: MedGen C0009405, MeSH D003123.
Hereditary cancer-predisposing syndrome. Also called: Hereditary neoplastic syndrome; Tumor predisposition; Neoplastic Syndromes, Hereditary; Hereditary Cancer Syndrome. Identifiers: Orphanet 140162, MedGen C0027672, MeSH D009386, MONDO:0015356.

Submissions (2):

Ambry Genetics
Classification: Uncertain significance for Hereditary cancer-predisposing syndrome. Last evaluated: 2026-02-09. Review status: criteria provided, single submitter. Criteria: Ambry Variant Classification Scheme 2023. Collection method: clinical testing. Allele origin: germline.
Comment: The p.R1217K variant (also known as c.3650G>A), located in coding exon 8 of the MSH6 gene, results from a G to A substitution at nucleotide position 3650. The arginine at codon 1217 is replaced by lysine, an amino acid with highly similar properties. This amino acid position is highly conserved in available vertebrate species. In addition, this alteration is predicted to be deleterious by in silico analysis. Based on the available evidence, the clinical significance of this variant remains unclear.

Labcorp Genetics (formerly Invitae), Labcorp
Classification: Uncertain significance for Hereditary nonpolyposis colorectal neoplasms. Last evaluated: 2021-10-08. Review status: criteria provided, single submitter. Criteria: Invitae Variant Classification Sherloc (09022015). Collection method: clinical testing. Allele origin: germline.
Comment: This variant is not present in population databases (ExAC no frequency). This variant has not been reported in the literature in individuals affected with MSH6-related conditions. Advanced modeling of protein sequence and biophysical properties (such as structural, functional, and spatial information, amino acid conservation, physicochemical variation, residue mobility, and thermodynamic stability) performed at Invitae indicates that this missense variant is expected to disrupt MSH6 protein function. In summary, the available evidence is currently insufficient to determine the role of this variant in disease. Therefore, it has been classified as a Variant of Uncertain Significance. This sequence change replaces arginine with lysine at codon 1217 of the MSH6 protein (p.Arg1217Lys). The arginine residue is highly conserved and there is a small physicochemical difference between arginine and lysine.